The following is an entry in ClinVar:

NM_001384140.1(PCDH15):c.2563C>T (p.Arg855Trp)

Gene: PCDH15 (protocadherin related 15; minus strand). Cytogenetic location: 10q21.1.
Variant type: single nucleotide variant.
Coding change: c.2563C>T on transcript NM_001384140.1 (MANE Select); coding-DNA position 2563, C replaced by T.
Protein change: p.Arg855Trp; replaces arginine 855 with tryptophan.
Molecular consequence: missense variant.
Genome position (GRCh38, 1-based): chr10:54,020,380, G>A on the plus strand (C>T on the coding strand, the complement: PCDH15 is on the minus strand). VCF-style: chr10-54020380-G-A. GRCh37 (hg19) VCF-style: chr10-55780140-G-A.
Other names: c.2578C>T, p.Arg860Trp (NM_001142763.2, NM_001142771.2); c.2563C>T, p.Arg855Trp (NM_001142764.2, NM_001142766.2, NM_001142770.3 and 5 more transcripts); c.2350C>T, p.Arg784Trp (NM_001142765.2); c.2452C>T, p.Arg818Trp (NM_001142767.2); c.2497C>T, p.Arg833Trp (NM_001142768.2, NM_001142773.2, NM_001354404.2); c.2599C>T, p.Arg867Trp (NM_001142769.4); c.2584C>T, p.Arg862Trp (NM_001354411.2); short protein forms R855W, R784W, R818W, R833W, R862W, R867W, R860W.
Identifiers: ClinVar variation 46453 (VCV000046453.46), dbSNP rs138010738, ClinGen allele CA138390.
Genomic context (GRCh38, chr10:54,020,380, plus strand): 5'-ATAGTTCTCCTGTAAATGGATGTAGTGCAAAAAAGTGCTTCACTTCTGGGCTTCTTATCC[G>A]GTAAGACACATTTGCTCCAAGGTCGACATCTTTGGCCTGTAATAAGCAGAAGAATAGTTT-3'
Protein context (NP_001371069.1, residues 845-865): DVDLGANVSY[Arg855Trp]IRSPEVKHFF

ClinVar aggregate classification (germline): Conflicting classifications of pathogenicity. Review status: criteria provided, conflicting classifications (1 of 4 stars). 10 submissions from 10 submitters: Uncertain significance (3); Benign (1); Likely benign (2). 4 of the submissions do not count toward it. Last evaluated 2026-01-20.

Conditions:
PCDH15-related disorder. Also called: PCDH15-related condition; PCDH15-related disorders.
Usher syndrome type 1 (USH1). Also called: RETINITIS PIGMENTOSA AND CONGENITAL DEAFNESS. Identifiers: Orphanet 231169, Orphanet 886, MedGen C1568247, MONDO:0010168, OMIM 276900.
Usher syndrome type 1F (USH1F). Also called: USHER SYNDROME, TYPE IF. Identifiers: Orphanet 231169, Orphanet 886, MedGen C1865885, MONDO:0011186, OMIM 602083.

Allele frequency attached by ClinVar (database versions not stated): gnomAD exomes 0.00043; ExAC 0.00046; ESP Exome Variant Server 0.00092; TOPMed 0.00114; gnomAD 0.00121; 1000 Genomes Project 0.00180; 1000 Genomes Project 30x 0.00219.
gnomAD v4.1: 417 of 1,613,736 alleles (0.026%); highest among the groups gnomAD compares: African/African-American, 0.36%; 1 homozygote.

Submissions (10):

Labcorp Genetics (formerly Invitae), Labcorp
Classification: Likely benign. Last evaluated: 2026-01-20. Review status: criteria provided, single submitter. Criteria: Invitae Variant Classification Sherloc (09022015). Collection method: clinical testing. Allele origin: germline.

GeneDx
Classification: Uncertain significance. Last evaluated: 2025-11-13. Review status: criteria provided, single submitter. Criteria: GeneDx Variant Classification Process June 2021. Collection method: clinical testing. Allele origin: germline. Affected: yes.
Comment: In silico analysis supports that this missense variant has a deleterious effect on protein structure/function; Has not been previously published as pathogenic or benign to our knowledge; This variant is associated with the following publications: (PMID: 15537665)

CeGaT Center for Human Genetics Tuebingen
Classification: Uncertain significance. Last evaluated: 2025-01-01. Review status: criteria provided, single submitter. Criteria: CeGaT Center For Human Genetics Tuebingen Variant Classification Criteria Version 2. Collection method: clinical testing. Allele origin: germline. Affected: yes. Observed: 1 variant allele.

Blueprint Genetics
Classification: Benign. Last evaluated: 2024-11-25. Review status: criteria provided, single submitter. Criteria: ACMG Guidelines, 2015. Collection method: clinical testing. Allele origin: germline.

Illumina Laboratory Services, Illumina
Classification: Uncertain significance for Usher syndrome type 1. Last evaluated: 2018-01-13. Review status: criteria provided, single submitter. Criteria: ICSL Variant Classification Criteria 13 December 2019. Collection method: clinical testing. Allele origin: germline.

Laboratory for Molecular Medicine, Mass General Brigham Personalized Medicine
Classification: Likely benign. Last evaluated: 2016-06-16. Review status: criteria provided, single submitter. Criteria: LMM Criteria. Collection method: clinical testing. Allele origin: germline. Observed: 4 variant alleles.
Comment: p.Arg855Trp in exon 20 of PCDH15: This variant is not expected to have clinical significance because it has been identified in 0.3% (34/10400) of African chromo somes by the Exome Aggregation Consortium (ExAC; dbSNP rs138010738).

PreventionGenetics, part of Exact Sciences
Classification: Likely benign for PCDH15-related condition. Last evaluated: 2022-10-26. Review status: no assertion criteria provided. Collection method: clinical testing. Allele origin: germline. Not counted in ClinVar's aggregate classification.
Comment: This variant is classified as likely benign based on ACMG/AMP sequence variant interpretation guidelines (Richards et al. 2015 PMID: 25741868, with internal and published modifications).

Natera, Inc.
Classification: Uncertain significance for Usher syndrome type 1F. Last evaluated: 2020-01-07. Review status: no assertion criteria provided. Collection method: clinical testing. Allele origin: germline. Not counted in ClinVar's aggregate classification.

Clinical Genetics DNA and cytogenetics Diagnostics Lab, Erasmus MC, Erasmus Medical Center
Classification: Uncertain significance. Review status: no assertion criteria provided. Collection method: clinical testing. Allele origin: germline. Affected: yes. Study: VKGL Data-share Consensus. Not counted in ClinVar's aggregate classification.

Joint Genome Diagnostic Labs from Nijmegen and Maastricht, Radboudumc and MUMC+
Classification: Uncertain significance. Review status: no assertion criteria provided. Collection method: clinical testing. Allele origin: germline. Affected: yes. Study: VKGL Data-share Consensus. Not counted in ClinVar's aggregate classification.